The following is an entry in ClinVar:

NM_181486.4(TBX5):c.427G>A (p.Ala143Thr)

Gene: TBX5 (T-box transcription factor 5; minus strand). Cytogenetic location: 12q24.21.
Variant type: single nucleotide variant.
Coding change: c.427G>A on transcript NM_181486.4 (MANE Select); coding-DNA position 427, G replaced by A.
Protein change: p.Ala143Thr; replaces alanine 143 with threonine.
Molecular consequence: missense variant.
Genome position (GRCh38, 1-based): chr12:114,398,656, C>T on the plus strand (G>A on the coding strand, the complement: TBX5 is on the minus strand). VCF-style: chr12-114398656-C-T. GRCh37 (hg19) VCF-style: chr12-114836461-C-T.
Other names: p.Ala143Thr; c.427G>A, p.Ala143Thr (NM_000192.3); c.277G>A, p.Ala93Thr (NM_080717.4); short protein forms A143T, A93T.
Identifiers: ClinVar variation 3037299 (VCV003037299.4), dbSNP rs374906778, ClinGen allele CA244127960.
Genomic context (GRCh38, chr12:114,398,656, plus strand): 5'-TGTTGGTGAGCTTGAGTTTCTGGAAGGAGACGAGCTGCCTCATCCAATGCGCCCCGGTGG[C>T]GGGGGAGTCTGGGTGCACGTACAGGCGGCCAGGCATGGCGGGCTCAGCTTTGCCCGTCAC-3'
Protein context (NP_852259.1, residues 133-153): GRLYVHPDSP[Ala143Thr]TGAHWMRQLV

ClinVar aggregate classification (germline): Uncertain significance. Review status: criteria provided, multiple submitters, no conflicts (2 of 4 stars). 3 submissions from 3 submitters: Uncertain significance (2). 1 of the submissions does not count toward it. Last evaluated 2024-04-25.

Conditions:
Cardiovascular phenotype. Identifiers: MedGen CN230736.
TBX5-related disorder. Also called: TBX5-related condition.

Allele frequency attached by ClinVar (database versions not stated): gnomAD exomes below 0.00001; gnomAD 0.00001; TOPMed 0.00001; ESP Exome Variant Server 0.00008.
gnomAD v4.1: 4 of 1,613,012 alleles (0.00025%); highest among the groups gnomAD compares: Middle Eastern, 0.016%; no homozygotes.

Submissions (3):

Ambry Genetics
Classification: Uncertain significance for Cardiovascular phenotype. Last evaluated: 2024-04-25. Review status: criteria provided, single submitter. Criteria: Ambry Variant Classification Scheme 2023. Collection method: clinical testing. Allele origin: germline.
Comment: The p.A143T variant (also known as c.427G>A), located in coding exon 4 of the TBX5 gene, results from a G to A substitution at nucleotide position 427. The alanine at codon 143 is replaced by threonine, an amino acid with similar properties. This variant has been detected in an individual with dilated cardiomyopathy (Zhou W et al. Int J Mol Med, 2015 Jul;36:282-8). This amino acid position is highly conserved in available vertebrate species. In addition, the in silico prediction for this alteration is inconclusive. Based on the available evidence, the clinical significance of this variant remains unclear.

Mayo Clinic Laboratories, Mayo Clinic
Classification: Uncertain significance. Last evaluated: 2023-11-22. Review status: criteria provided, single submitter. Criteria: ACMG Guidelines, 2015. Collection method: clinical testing. Allele origin: germline. Observed: 1 variant allele.
Comment: PM2

PreventionGenetics, part of Exact Sciences
Classification: Uncertain significance for TBX5-related condition. Last evaluated: 2024-01-16. Review status: no assertion criteria provided. Collection method: clinical testing. Allele origin: germline. Not counted in ClinVar's aggregate classification.
Comment: The TBX5 c.427G>A variant is predicted to result in the amino acid substitution p.Ala143Thr. This variant has been reported in an individual with dilated cardiomyopathy and functional studies found it may impact protein function (Zhou et al. 2015. PubMed ID: 25963046). This variant has not been reported in a large population database, indicating this variant is rare. At this time, the clinical significance of this variant is uncertain due to the absence of conclusive functional and genetic evidence.

Literature cited by the submitters: PubMed 25963046 (cited by Ambry Genetics and Mayo Clinic Laboratories, Mayo Clinic); PubMed 34426522 (cited by Mayo Clinic Laboratories, Mayo Clinic).